The following is an entry in ClinVar:

NM_020693.4(DSCAML1):c.5867C>T (p.Pro1956Leu)

Gene: DSCAML1 (DS cell adhesion molecule like 1; minus strand). Cytogenetic location: 11q23.3.
Variant type: single nucleotide variant.
Coding change: c.5867C>T on transcript NM_020693.4 (MANE Select); coding-DNA position 5867, C replaced by T.
Protein change: p.Pro1956Leu; replaces proline 1956 with leucine.
Molecular consequence: missense variant.
Genome position (GRCh38, 1-based): chr11:117,428,623, G>A on the plus strand (C>T on the coding strand, the complement: DSCAML1 is on the minus strand). VCF-style: chr11-117428623-G-A. GRCh37 (hg19) VCF-style: chr11-117299339-G-A.
Other names: short protein forms P1956L.
Identifiers: ClinVar variation 4718737 (VCV004718737.1).
Genomic context (GRCh38, chr11:117,428,623, plus strand): 5'-ATGGCCAGAGTCCTCTGAGGTAAGGTGGCTGTGGAGGCGGCAGCGGGGGCCCCTGGGTGG[G>A]GAAGGCCCAAGGACTTGCTGGCAGGGTCCAGGGTCAGGTGGCGAGCCTGGGTGTGGTAGG-3'
Protein context (NP_065744.3, residues 1946-1966): LDPASKSLGL[Pro1956Leu]HPGAPAAAST

ClinVar aggregate classification (germline): Uncertain significance (1 of 4 stars; one submission).

Submission:

Labcorp Genetics (formerly Invitae), Labcorp
Classification: Uncertain significance. Last evaluated: 2025-05-07. Review status: criteria provided, single submitter. Criteria: Invitae Variant Classification Sherloc (09022015). Collection method: clinical testing. Allele origin: germline.
Comment: This sequence change replaces proline, which is neutral and non-polar, with leucine, which is neutral and non-polar, at codon 2016 of the DSCAML1 protein (p.Pro2016Leu). The frequency data for this variant in the population databases is considered unreliable, as metrics indicate poor data quality at this position in the gnomAD database. This variant has not been reported in the literature in individuals affected with DSCAML1-related conditions. An algorithm developed to predict the effect of missense changes on protein structure and function (PolyPhen-2) suggests that this variant is likely to be tolerated. In summary, the available evidence is currently insufficient to determine the role of this variant in disease. Therefore, it has been classified as a Variant of Uncertain Significance.